The following is an entry in ClinVar:

ClinVar aggregate classification (germline): Uncertain significance (1 of 4 stars; one submission).

Submission:

Labcorp Genetics (formerly Invitae), Labcorp
Classification: Uncertain significance. Last evaluated: 2025-11-01. Review status: criteria provided, single submitter. Criteria: Invitae Variant Classification Sherloc (09022015). Collection method: clinical testing. Allele origin: germline.
Comment: This sequence change replaces serine, which is neutral and polar, with arginine, which is basic and polar, at codon 121 of the EFEMP1 protein (p.Ser121Arg). This variant is not present in population databases (gnomAD no frequency). This variant has not been reported in the literature in individuals affected with EFEMP1-related conditions. An algorithm developed to predict the effect of missense changes on protein structure and function (PolyPhen-2) suggests that this variant is likely to be disruptive. In summary, the available evidence is currently insufficient to determine the role of this variant in disease. Therefore, it has been classified as a Variant of Uncertain Significance.

NM_001039348.3(EFEMP1):c.363T>A (p.Ser121Arg)

Gene: EFEMP1 (EGF-like fibulin extracellular matrix protein 1; minus strand). Cytogenetic location: 2p16.1.
Variant type: single nucleotide variant.
Coding change: c.363T>A on transcript NM_001039348.3 (MANE Select); coding-DNA position 363, T replaced by A.
Protein change: p.Ser121Arg; replaces serine 121 with arginine.
Molecular consequence: missense variant.
Genome position (GRCh38, 1-based): chr2:55,917,819, A>T on the plus strand (T>A on the coding strand, the complement: EFEMP1 is on the minus strand). VCF-style: chr2-55917819-A-T. GRCh37 (hg19) VCF-style: chr2-56144954-A-T.
Other names: c.363T>A, p.Ser121Arg (NM_001039349.3); short protein forms S121R.
Identifiers: ClinVar variation 4729580 (VCV004729580.1).